The following is an entry in ClinVar:

NM_000057.4(BLM):c.2598A>T (p.Val866=)

Gene: BLM (BLM RecQ like helicase; plus strand). Cytogenetic location: 15q26.1.
Variant type: single nucleotide variant.
Coding change: c.2598A>T on transcript NM_000057.4 (MANE Select); coding-DNA position 2598, A replaced by T.
Protein change: p.Val866=; no amino-acid change (valine 866 retained).
Molecular consequence: synonymous variant.
Genome position (GRCh38, 1-based): chr15:90,782,864, A>T. VCF-style: chr15-90782864-A-T. GRCh37 (hg19) VCF-style: chr15-91326094-A-T.
Other names: c.2598A>T (LRG_20t1); c.2598A>T, p.Val866= (NM_001287246.2, NM_001287247.2); c.1473A>T, p.Val491= (NM_001287248.2).
Identifiers: ClinVar variation 413297 (VCV000413297.23), dbSNP rs574053990, ClinGen allele CA7738824.

ClinVar aggregate classification (germline): Likely benign. Review status: criteria provided, multiple submitters, no conflicts (2 of 4 stars). 5 submissions from 5 submitters: Likely benign (3). 2 of the submissions do not count toward it. Last evaluated 2026-01-24.

Conditions:
BLM-related disorder. Also called: BLM-related condition.
Bloom syndrome (BLM). Also called: Bloom-Torre-Machacek syndrome. Identifiers: Orphanet 125, MedGen C0005859, MONDO:0008876, OMIM 210900.
Hereditary cancer-predisposing syndrome. Also called: Neoplastic Syndromes, Hereditary; Tumor predisposition; Hereditary Cancer Syndrome; Hereditary neoplastic syndrome. Identifiers: Orphanet 140162, MedGen C0027672, MeSH D009386, MONDO:0015356.

Allele frequency attached by ClinVar (database versions not stated): ExAC 0.00001; gnomAD exomes 0.00001; gnomAD 0.00010 and 0.00011; TOPMed 0.00011; 1000 Genomes Project 30x 0.00016; 1000 Genomes Project 0.00020.
gnomAD v4.1: 32 of 1,613,966 alleles (0.002%); highest among the groups gnomAD compares: African/African-American, 0.033%; no homozygotes.

Submissions (5):

Labcorp Genetics (formerly Invitae), Labcorp
Classification: Likely benign for Bloom syndrome. Last evaluated: 2026-01-24. Review status: criteria provided, single submitter. Criteria: Invitae Variant Classification Sherloc (09022015). Collection method: clinical testing. Allele origin: germline.

Quest Diagnostics Nichols Institute San Juan Capistrano
Classification: Likely benign. Last evaluated: 2025-01-21. Review status: criteria provided, single submitter. Criteria: Quest Diagnostics criteria. Collection method: clinical testing. Allele origin: unknown.

Ambry Genetics
Classification: Likely benign for Hereditary cancer-predisposing syndrome. Last evaluated: 2017-06-20. Review status: criteria provided, single submitter. Criteria: Ambry Variant Classification Scheme 2023. Collection method: clinical testing. Allele origin: germline.

PreventionGenetics, part of Exact Sciences
Classification: Likely benign for BLM-related condition. Last evaluated: 2022-02-10. Review status: no assertion criteria provided. Collection method: clinical testing. Allele origin: germline. Not counted in ClinVar's aggregate classification.
Comment: This variant is classified as likely benign based on ACMG/AMP sequence variant interpretation guidelines (Richards et al. 2015 PMID: 25741868, with internal and published modifications).

Natera, Inc.
Classification: Likely benign for Bloom syndrome. Last evaluated: 2018-08-25. Review status: no assertion criteria provided. Collection method: clinical testing. Allele origin: germline. Not counted in ClinVar's aggregate classification.